The following is an entry in ClinVar:

NM_000492.4(CFTR):c.3964-1604G>T

Gene: CFTR (CF transmembrane conductance regulator; plus strand). Cytogenetic location: 7q31.2.
Variant type: single nucleotide variant.
Coding change: c.3964-1604G>T on transcript NM_000492.4 (MANE Select); 1604 bases into the intron before coding-DNA position 3964, G replaced by T.
Molecular consequence: intron variant.
Genome position (GRCh38, 1-based): chr7:117,663,084, G>T. VCF-style: chr7-117663084-G-T. GRCh37 (hg19) VCF-style: chr7-117303138-G-T.
Identifiers: ClinVar variation 4280116 (VCV004280116.1).

ClinVar aggregate classification (germline): Uncertain significance (1 of 4 stars; one submission).

Conditions:
Cystic fibrosis (CF). Also called: MUCOVISCIDOSIS. Identifiers: Orphanet 586, MedGen C0010674, MONDO:0009061, OMIM 219700. Disease mechanism: loss of function.

Submission:

Johns Hopkins Genomics, Johns Hopkins University
Classification: Uncertain significance for Cystic fibrosis. Last evaluated: 2024-12-17. Review status: criteria provided, single submitter. Criteria: ACMG Guidelines, 2015. Collection method: clinical testing. Allele origin: germline.
Comment: Variant of uncertain clinical significance that is not predicted to alter splicing.